The following is an entry in ClinVar:

ClinVar aggregate classification (germline): Uncertain significance. Review status: criteria provided, multiple submitters, no conflicts (2 of 4 stars). 2 submissions from 2 submitters: Uncertain significance (2). Last evaluated 2023-08-01.

Allele frequency attached by ClinVar (database versions not stated): gnomAD exomes 0.00002; TOPMed 0.00003; gnomAD 0.00004; ExAC 0.00005.
gnomAD v4.1: 39 of 1,604,506 alleles (0.0024%); highest among the groups gnomAD compares: Middle Eastern, 0.016%; no homozygotes.

Submissions (2):

CeGaT Center for Human Genetics Tuebingen
Classification: Uncertain significance. Last evaluated: 2023-08-01. Review status: criteria provided, single submitter. Criteria: CeGaT Center For Human Genetics Tuebingen Variant Classification Criteria Version 2. Collection method: clinical testing. Allele origin: germline. Affected: yes. Observed: 1 variant allele.
Comment: LRPPRC: PM2:Supporting, PP3

Labcorp Genetics (formerly Invitae), Labcorp
Classification: Uncertain significance. Last evaluated: 2022-07-14. Review status: criteria provided, single submitter. Criteria: Invitae Variant Classification Sherloc (09022015). Collection method: clinical testing. Allele origin: germline.
Comment: This sequence change affects codon 1093 of the LRPPRC mRNA. It is a 'silent' change, meaning that it does not change the encoded amino acid sequence of the LRPPRC protein. This variant is present in population databases (rs764087602, gnomAD 0.004%). This variant has not been reported in the literature in individuals affected with LRPPRC-related conditions. Algorithms developed to predict the effect of sequence changes on RNA splicing suggest that this variant may create or strengthen a splice site. In summary, the available evidence is currently insufficient to determine the role of this variant in disease. Therefore, it has been classified as a Variant of Uncertain Significance.

NM_133259.4(LRPPRC):c.3279G>A (p.Ala1093=)

Gene: LRPPRC (leucine rich pentatricopeptide repeat containing; minus strand). Cytogenetic location: 2p21.
Variant type: single nucleotide variant.
Coding change: c.3279G>A on transcript NM_133259.4 (MANE Select); coding-DNA position 3279, G replaced by A.
Protein change: p.Ala1093=; no amino-acid change (alanine 1093 retained).
Molecular consequence: synonymous variant.
Genome position (GRCh38, 1-based): chr2:43,905,777, C>T on the plus strand (G>A on the coding strand, the complement: LRPPRC is on the minus strand). VCF-style: chr2-43905777-C-T. GRCh37 (hg19) VCF-style: chr2-44132916-C-T.
Identifiers: ClinVar variation 2183213 (VCV002183213.26), dbSNP rs764087602, ClinGen allele CA1638107.
Genomic context (GRCh38, chr2:43,905,777, plus strand): 5'-CGTTATGATGAGGCGGCTGTTGGCAGCATCGTTCAGTGTGAAGCCCTTGATGTGGGTCTC[C>T]GCGCTAAAAGAAGCAGACATTTAGAAAGGAATTACTGACATGCTTCTGATACGATAATAA-3'
Protein context (NP_573566.2, residues 1083-1103): FTQAMEVKAF[Ala1093=]ETHIKGFTLN